The following is an entry in ClinVar:

ClinVar aggregate classification (germline): Likely benign (1 of 4 stars; one submission).

Allele frequency attached by ClinVar (database versions not stated): 1000 Genomes Project 30x 0.00016; 1000 Genomes Project 0.00020; gnomAD 0.00064; ExAC 0.00065; gnomAD exomes 0.00076; ESP Exome Variant Server 0.00077; TOPMed 0.00126.
gnomAD v4.1: 1,268 of 1,612,358 alleles (0.079%); highest among the groups gnomAD compares: Non-Finnish European, 0.088%; 5 homozygotes.

Submission:

CeGaT Center for Human Genetics Tuebingen
Classification: Likely benign. Last evaluated: 2022-05-01. Review status: criteria provided, single submitter. Criteria: CeGaT Center For Human Genetics Tuebingen Variant Classification Criteria Version 2. Collection method: clinical testing. Allele origin: germline. Affected: yes. Observed: 1 variant allele.
Comment: ZNF350: BP4

NM_021632.4(ZNF350):c.1570G>A (p.Val524Ile)

Genes: ZNF350 (zinc finger protein 350; minus strand), ZNF350-AS1 (ZNF350 antisense RNA 1; plus strand). Cytogenetic location: 19q13.41.
Variant type: single nucleotide variant.
Coding change: c.1570G>A on transcript NM_021632.4 (MANE Select); coding-DNA position 1570, G replaced by A.
Protein change: p.Val524Ile; replaces valine 524 with isoleucine.
Molecular consequence: missense variant.
Genome position (GRCh38, 1-based): chr19:51,964,883, C>T on the plus strand (G>A on the coding strand, the complement: ZNF350 is on the minus strand). VCF-style: chr19-51964883-C-T. GRCh37 (hg19) VCF-style: chr19-52468136-C-T.
Other names: short protein forms V524I.
Identifiers: ClinVar variation 2650380 (VCV002650380.24), dbSNP rs4988337, ClinGen allele CA9618016.